The following is an entry in ClinVar:

ClinVar aggregate classification (germline): Uncertain significance. Review status: criteria provided, multiple submitters, no conflicts (2 of 4 stars). 4 submissions from 4 submitters: Uncertain significance (4). Last evaluated 2025-09-03.

Conditions:
Hereditary cancer-predisposing syndrome. Also called: Hereditary Cancer Syndrome; Hereditary neoplastic syndrome; Neoplastic Syndromes, Hereditary; Tumor predisposition. Identifiers: Orphanet 140162, MedGen C0027672, MeSH D009386, MONDO:0015356.
Endometrial carcinoma. Also called: Endometrial carcinoma, somatic. Identifiers: MedGen C0476089, MONDO:0002447, OMIM 608089, HP:0012114.

Submissions (4):

Labcorp Genetics (formerly Invitae), Labcorp
Classification: Uncertain significance. Last evaluated: 2025-09-03. Review status: criteria provided, single submitter. Criteria: Invitae Variant Classification Sherloc (09022015). Collection method: clinical testing. Allele origin: germline.
Comment: This sequence change replaces valine, which is neutral and non-polar, with alanine, which is neutral and non-polar, at codon 393 of the MSH3 protein (p.Val393Ala). This variant is not present in population databases (gnomAD no frequency). This variant has not been reported in the literature in individuals affected with MSH3-related conditions. ClinVar contains an entry for this variant (Variation ID: 1741335). An algorithm developed to predict the effect of missense changes on protein structure and function (PolyPhen-2) suggests that this variant is likely to be disruptive. In summary, the available evidence is currently insufficient to determine the role of this variant in disease. Therefore, it has been classified as a Variant of Uncertain Significance.

Baylor Genetics
Classification: Uncertain significance for Endometrial carcinoma. Last evaluated: 2024-03-12. Review status: criteria provided, single submitter. Criteria: ACMG Guidelines, 2015. Collection method: clinical testing. Allele origin: unknown.

GeneDx
Classification: Uncertain significance. Last evaluated: 2023-05-08. Review status: criteria provided, single submitter. Criteria: GeneDx Variant Classification Process June 2021. Collection method: clinical testing. Allele origin: germline. Affected: yes.
Comment: Not observed at significant frequency in large population cohorts (gnomAD); In silico analysis supports that this missense variant has a deleterious effect on protein structure/function; Has not been previously published as pathogenic or benign to our knowledge

Ambry Genetics
Classification: Uncertain significance for Hereditary cancer-predisposing syndrome. Last evaluated: 2021-10-14. Review status: criteria provided, single submitter. Criteria: Ambry Variant Classification Scheme 2023. Collection method: clinical testing. Allele origin: germline.
Comment: The p.V393A variant (also known as c.1178T>C), located in coding exon 8 of the MSH3 gene, results from a T to C substitution at nucleotide position 1178. The valine at codon 393 is replaced by alanine, an amino acid with similar properties. This amino acid position is well conserved in available vertebrate species. In addition, this alteration is predicted to be deleterious by in silico analysis. Since supporting evidence is limited at this time, the clinical significance of this alteration remains unclear.

NM_002439.5(MSH3):c.1178T>C (p.Val393Ala)

Gene: MSH3 (mutS homolog 3; plus strand). Cytogenetic location: 5q14.1.
Variant type: single nucleotide variant.
Coding change: c.1178T>C on transcript NM_002439.5 (MANE Select); coding-DNA position 1178, T replaced by C.
Protein change: p.Val393Ala; replaces valine 393 with alanine.
Molecular consequence: missense variant.
Genome position (GRCh38, 1-based): chr5:80,678,931, T>C. VCF-style: chr5-80678931-T-C. GRCh37 (hg19) VCF-style: chr5-79974750-T-C.
Other names: c.1178T>C (NM_002439.4); short protein forms V393A.
Identifiers: ClinVar variation 1741335 (VCV001741335.6), dbSNP rs2546726527, ClinGen allele CA360268821.